The following is an entry in ClinVar:

NM_001365088.1(SLC12A6):c.845T>C (p.Met282Thr)

Gene: SLC12A6 (solute carrier family 12 member 6; minus strand). Cytogenetic location: 15q14.
Variant type: single nucleotide variant.
Coding change: c.845T>C on transcript NM_001365088.1 (MANE Select); coding-DNA position 845, T replaced by C.
Protein change: p.Met282Thr; replaces methionine 282 with threonine.
Molecular consequence: missense variant.
Genome position (GRCh38, 1-based): chr15:34,255,293, A>G on the plus strand (T>C on the coding strand, the complement: SLC12A6 is on the minus strand). VCF-style: chr15-34255293-A-G. GRCh37 (hg19) VCF-style: chr15-34547494-A-G.
Other names: c.668T>C, p.Met223Thr (NM_001042494.2, NM_001042495.2); c.818T>C, p.Met273Thr (NM_001042496.2); c.800T>C, p.Met267Thr (NM_001042497.2); c.692T>C, p.Met231Thr (NM_005135.2); c.845T>C, p.Met282Thr (NM_133647.2); short protein forms M231T, M273T, M223T, M267T, M282T.
Identifiers: ClinVar variation 3442557 (VCV003442557.3).
Genomic context (GRCh38, chr15:34,255,293, plus strand): 5'-TTATAGACCACAATGAAGTCATTACTTACCAGAAAGATTTCAATGGCACCAAGGATGTAC[A>G]TGGCTGCTGCAAATGTGGTACCAAGATAAAAGCAGAGGCCAACAGCCCCACCAAACTCTG-3'
Protein context (NP_001352017.1, residues 272-292): FYLGTTFAAA[Met282Thr]YILGAIEIFL

ClinVar aggregate classification (germline): Uncertain significance. Review status: criteria provided, multiple submitters, no conflicts (2 of 4 stars). 2 submissions from 2 submitters: Uncertain significance (2). Last evaluated 2024-07-30.

Conditions:
Inborn genetic diseases. Identifiers: MedGen C0950123, MeSH D030342.

gnomAD v4.1: 1 of 1,610,830 alleles (0.000062%); highest among the groups gnomAD compares: East Asian, 0.0022%; no homozygotes.

Submissions (2):

Ambry Genetics
Classification: Uncertain significance for Inborn genetic diseases. Last evaluated: 2024-07-30. Review status: criteria provided, single submitter. Criteria: Ambry Variant Classification Scheme 2023. Collection method: clinical testing. Allele origin: germline.

Labcorp Genetics (formerly Invitae), Labcorp
Classification: Uncertain significance. Last evaluated: 2024-02-02. Review status: criteria provided, single submitter. Criteria: Invitae Variant Classification Sherloc (09022015). Collection method: clinical testing. Allele origin: germline.
Comment: This sequence change replaces methionine, which is neutral and non-polar, with threonine, which is neutral and polar, at codon 282 of the SLC12A6 protein (p.Met282Thr). This variant is not present in population databases (gnomAD no frequency). This variant has not been reported in the literature in individuals affected with SLC12A6-related conditions. Advanced modeling of protein sequence and biophysical properties (such as structural, functional, and spatial information, amino acid conservation, physicochemical variation, residue mobility, and thermodynamic stability) performed at Invitae indicates that this missense variant is expected to disrupt SLC12A6 protein function with a positive predictive value of 80%. In summary, the available evidence is currently insufficient to determine the role of this variant in disease. Therefore, it has been classified as a Variant of Uncertain Significance.